The following is an entry in ClinVar:

ClinVar aggregate classification (germline): Likely benign (0 of 4 stars; one submission).

Conditions:
SEMA3G-related disorder. Also called: SEMA3G-related condition.

Allele frequency attached by ClinVar (database versions not stated): gnomAD 0.00003; ExAC 0.00005; 1000 Genomes Project 30x 0.00016; 1000 Genomes Project 0.00020.
gnomAD v4.1: 68 of 1,612,154 alleles (0.0042%); highest among the groups gnomAD compares: Admixed American, 0.012%; no homozygotes.

Submission:

PreventionGenetics, part of Exact Sciences
Classification: Likely benign for SEMA3G-related condition. Last evaluated: 2022-04-27. Review status: no assertion criteria provided. Collection method: clinical testing. Allele origin: germline.
Comment: This variant is classified as likely benign based on ACMG/AMP sequence variant interpretation guidelines (Richards et al. 2015 PMID: 25741868, with internal and published modifications).

NM_020163.3(SEMA3G):c.1908G>A (p.Thr636=)

Gene: SEMA3G (semaphorin 3G; minus strand). Cytogenetic location: 3p21.1.
Variant type: single nucleotide variant.
Coding change: c.1908G>A on transcript NM_020163.3 (MANE Select); coding-DNA position 1908, G replaced by A.
Protein change: p.Thr636=; no amino-acid change (threonine 636 retained).
Molecular consequence: synonymous variant.
Genome position (GRCh38, 1-based): chr3:52,436,044, C>T on the plus strand (G>A on the coding strand, the complement: SEMA3G is on the minus strand). VCF-style: chr3-52436044-C-T. GRCh37 (hg19) VCF-style: chr3-52470060-C-T.
Identifiers: ClinVar variation 3049129 (VCV003049129.2), dbSNP rs561801072, ClinGen allele CA2437770.